The following is an entry in ClinVar:

NM_006265.3(RAD21):c.1252A>C (p.Lys418Gln)

Gene: RAD21 (RAD21 cohesin complex component; minus strand). Cytogenetic location: 8q24.11.
Variant type: single nucleotide variant.
Coding change: c.1252A>C on transcript NM_006265.3 (MANE Select); coding-DNA position 1252, A replaced by C.
Protein change: p.Lys418Gln; replaces lysine 418 with glutamine.
Molecular consequence: missense variant.
Genome position (GRCh38, 1-based): chr8:116,852,618, T>G on the plus strand (A>C on the coding strand, the complement: RAD21 is on the minus strand). VCF-style: chr8-116852618-T-G. GRCh37 (hg19) VCF-style: chr8-117864857-T-G.
Other names: short protein forms K418Q.
Identifiers: ClinVar variation 984452 (VCV000984452.1), dbSNP rs1812375108, ClinGen allele CA371998916.

ClinVar aggregate classification (germline): Uncertain significance (1 of 4 stars; one submission).

Submission:

Women's Health and Genetics/Laboratory Corporation of America, LabCorp
Classification: Uncertain significance. Last evaluated: 2020-10-20. Review status: criteria provided, single submitter. Criteria: LabCorp Variant Classification Summary - May 2015. Collection method: clinical testing. Allele origin: germline.
Comment: Variant summary: RAD21 c.1252A>C (p.Lys418Gln) results in a conservative amino acid change in the encoded protein sequence. Three of five in-silico tools predict a benign effect of the variant on protein function. The variant was absent in 250918 control chromosomes. The available data on variant occurrences in the general population are insufficient to allow any conclusion about variant significance. To our knowledge, no occurrence of c.1252A>C in individuals affected with Cornelia De Lange Syndrome 4 and no experimental evidence demonstrating its impact on protein function have been reported. No clinical diagnostic laboratories have submitted clinical-significance assessments for this variant to ClinVar after 2014. Based on the evidence outlined above, the variant was classified as uncertain significance.